The following is an entry in ClinVar:

NM_001128840.3(CACNA1D):c.5707C>T (p.Arg1903Trp)

Gene: CACNA1D (calcium voltage-gated channel subunit alpha1 D; plus strand). Cytogenetic location: 3p21.1.
Variant type: single nucleotide variant.
Coding change: c.5707C>T on transcript NM_001128840.3 (MANE Select); coding-DNA position 5707, C replaced by T.
Protein change: p.Arg1903Trp; replaces arginine 1903 with tryptophan.
Molecular consequence: missense variant.
Genome position (GRCh38, 1-based): chr3:53,805,104, C>T. VCF-style: chr3-53805104-C-T. GRCh37 (hg19) VCF-style: chr3-53839131-C-T.
Other names: c.5767C>T (NM_000720.2); c.5767C>T, p.Arg1923Trp (NM_000720.4); c.5635C>T, p.Arg1879Trp (NM_001128839.3); short protein forms R1879W, R1923W, R1903W.
Identifiers: ClinVar variation 3015553 (VCV003015553.4), dbSNP rs931440460, ClinGen allele CA74862455.

ClinVar aggregate classification (germline): Uncertain significance. Review status: criteria provided, multiple submitters, no conflicts (2 of 4 stars). 2 submissions from 2 submitters: Uncertain significance (2). Last evaluated 2026-01-06.

Allele frequency attached by ClinVar (database versions not stated): TOPMed below 0.00001; gnomAD 0.00001; gnomAD exomes below 0.00001.
gnomAD v4.1: 3 of 1,613,998 alleles (0.00019%); highest among the groups gnomAD compares: Admixed American, 0.0017%; no homozygotes.

Submissions (2):

Labcorp Genetics (formerly Invitae), Labcorp
Classification: Uncertain significance. Last evaluated: 2026-01-06. Review status: criteria provided, single submitter. Criteria: Invitae Variant Classification Sherloc (09022015). Collection method: clinical testing. Allele origin: germline.
Comment: This sequence change replaces arginine, which is basic and polar, with tryptophan, which is neutral and slightly polar, at codon 1923 of the CACNA1D protein (p.Arg1923Trp). This variant is not present in population databases (gnomAD no frequency). This variant has not been reported in the literature in individuals affected with CACNA1D-related conditions. ClinVar contains an entry for this variant (Variation ID: 3015553). An algorithm developed to predict the effect of missense changes on protein structure and function (PolyPhen-2) suggests that this variant is likely to be tolerated. In summary, the available evidence is currently insufficient to determine the role of this variant in disease. Therefore, it has been classified as a Variant of Uncertain Significance.

GeneDx
Classification: Uncertain significance. Last evaluated: 2025-07-22. Review status: criteria provided, single submitter. Criteria: GeneDx Variant Classification Process June 2021. Collection method: clinical testing. Allele origin: germline. Affected: yes.
Comment: Not observed at significant frequency in large population cohorts (gnomAD); In silico analysis supports that this missense variant has a deleterious effect on protein structure/function; Has not been previously published as pathogenic or benign to our knowledge